The following is an entry in ClinVar:

ClinVar aggregate classification (germline): Conflicting classifications of pathogenicity. Review status: criteria provided, conflicting classifications (1 of 4 stars). 5 submissions from 5 submitters: Uncertain significance (1); Benign (1); Likely benign (3). Last evaluated 2025-12-01.

Conditions:
RAI1-related disorder. Also called: RAI1-related condition.
Inborn genetic diseases. Identifiers: MedGen C0950123, MeSH D030342.

Allele frequency attached by ClinVar (database versions not stated): gnomAD 0.00001; TOPMed 0.00003; ExAC 0.00004; gnomAD exomes 0.00004; ESP Exome Variant Server 0.00008.
gnomAD v4.1: 53 of 1,613,874 alleles (0.0033%); highest among the groups gnomAD compares: Admixed American, 0.005%; no homozygotes.

Submissions (5):

Labcorp Genetics (formerly Invitae), Labcorp
Classification: Benign. Last evaluated: 2025-12-01. Review status: criteria provided, single submitter. Criteria: Invitae Variant Classification Sherloc (09022015). Collection method: clinical testing. Allele origin: germline.

PreventionGenetics, part of Exact Sciences
Classification: Likely benign for RAI1-related condition. Last evaluated: 2025-07-07. Review status: criteria provided, single submitter. Criteria: ACMG Guidelines, 2015. Collection method: clinical testing. Allele origin: germline.
Comment: This variant is classified as likely benign based on ACMG/AMP sequence variant interpretation guidelines (Richards et al. 2015 PMID: 25741868, with internal and published modifications).

Women's Health and Genetics/Laboratory Corporation of America, LabCorp
Classification: Uncertain significance. Last evaluated: 2025-07-02. Review status: criteria provided, single submitter. Criteria: LabCorp Variant Classification Summary - May 2015. Collection method: clinical testing. Allele origin: germline.
Comment: Variant summary: RAI1 c.2221G>A (p.Ala741Thr) results in a non-conservative amino acid change in the encoded protein sequence. Algorithms developed to predict the effect of missense changes on protein structure and function are either unavailable or do not agree on the potential impact of this missense change. The variant allele was found at a frequency of 2.8e-05 in 251212 control chromosomes. The available data on variant occurrences in the general population are insufficient to allow any conclusion about variant significance. To our knowledge, no occurrence of c.2221G>A in individuals affected with Smith-Magenis Syndrome and no experimental evidence demonstrating its impact on protein function have been reported. ClinVar contains an entry for this variant (Variation ID: 2077333). Based on the evidence outlined above, the variant was classified as uncertain significance.

Ambry Genetics
Classification: Likely benign for Inborn genetic diseases. Last evaluated: 2025-04-03. Review status: criteria provided, single submitter. Criteria: Ambry Variant Classification Scheme 2023. Collection method: clinical testing. Allele origin: germline.

CeGaT Center for Human Genetics Tuebingen
Classification: Likely benign. Last evaluated: 2024-09-01. Review status: criteria provided, single submitter. Criteria: CeGaT Center For Human Genetics Tuebingen Variant Classification Criteria Version 2. Collection method: clinical testing. Allele origin: germline. Affected: yes. Observed: 1 variant allele.
Comment: RAI1: BP4

NM_030665.4(RAI1):c.2221G>A (p.Ala741Thr)

Gene: RAI1 (retinoic acid induced 1; plus strand). Cytogenetic location: 17p11.2.
Variant type: single nucleotide variant.
Coding change: c.2221G>A on transcript NM_030665.4 (MANE Select); coding-DNA position 2221, G replaced by A.
Protein change: p.Ala741Thr; replaces alanine 741 with threonine.
Molecular consequence: missense variant.
Genome position (GRCh38, 1-based): chr17:17,795,169, G>A. VCF-style: chr17-17795169-G-A. GRCh37 (hg19) VCF-style: chr17-17698483-G-A.
Other names: c.2221G>A (NM_030665.3); short protein forms A741T.
Identifiers: ClinVar variation 2077333 (VCV002077333.23), dbSNP rs374962897, ClinGen allele CA8418493.
Genomic context (GRCh38, chr17:17,795,169, plus strand): 5'-CCCACTACAGCAGCTTTTGACTGTTTCCCGGACACAACCGCTGCCAGCTCAGCGGACAGC[G>A]CCAACCCCTTTGCCTGGCCAGAGGAAAACCTGGGGGATGCTTGTCCCAGGTGGGGATTGC-3'
Protein context (NP_109590.3, residues 731-751): DTTAASSADS[Ala741Thr]NPFAWPEENL